The following is an entry in ClinVar:

NM_004268.5(MED17):c.241G>A (p.Asp81Asn)

Genes: MED17 (mediator complex subunit 17; plus strand), LOC130006596 (ATAC-STARR-seq lymphoblastoid silent region 3840; plus strand). Cytogenetic location: 11q21.
Variant type: single nucleotide variant.
Coding change: c.241G>A on transcript NM_004268.5 (MANE Select); coding-DNA position 241, G replaced by A.
Protein change: p.Asp81Asn; replaces aspartic acid 81 with asparagine.
Molecular consequence: missense variant.
Genome position (GRCh38, 1-based): chr11:93,784,754, G>A. VCF-style: chr11-93784754-G-A. GRCh37 (hg19) VCF-style: chr11-93517920-G-A.
Other names: short protein forms D81N.
Identifiers: ClinVar variation 2139676 (VCV002139676.1), dbSNP rs200031503, ClinGen allele CA6232273.

ClinVar aggregate classification (germline): Uncertain significance (1 of 4 stars; one submission).

Allele frequency attached by ClinVar (database versions not stated): gnomAD 0.00001; TOPMed 0.00002; gnomAD exomes 0.00003; ExAC 0.00007; ESP Exome Variant Server 0.00016.
gnomAD v4.1: 40 of 1,539,868 alleles (0.0026%); highest among the groups gnomAD compares: Non-Finnish European, 0.0035%; no homozygotes.

Submission:

Labcorp Genetics (formerly Invitae), Labcorp
Classification: Uncertain significance. Last evaluated: 2022-06-01. Review status: criteria provided, single submitter. Criteria: Invitae Variant Classification Sherloc (09022015). Collection method: clinical testing. Allele origin: germline.
Comment: This sequence change replaces aspartic acid, which is acidic and polar, with asparagine, which is neutral and polar, at codon 81 of the MED17 protein (p.Asp81Asn). This variant is not present in population databases (gnomAD no frequency). This variant has not been reported in the literature in individuals affected with MED17-related conditions. Algorithms developed to predict the effect of missense changes on protein structure and function are either unavailable or do not agree on the potential impact of this missense change (SIFT: "Deleterious"; PolyPhen-2: "Probably Damaging"; Align-GVGD: "Class C0"). In summary, the available evidence is currently insufficient to determine the role of this variant in disease. Therefore, it has been classified as a Variant of Uncertain Significance.